The following is an entry in ClinVar:

ClinVar aggregate classification (germline): Uncertain significance (1 of 4 stars; one submission).

Conditions:
Candidiasis, familial, 9 (CANDF9). Identifiers: Orphanet 1334, MedGen C4225324, MONDO:0014642, OMIM 616445.

Allele frequency attached by ClinVar (database versions not stated): gnomAD exomes below 0.00001.
gnomAD v4.1: 2 of 1,614,162 alleles (0.00012%); highest among the groups gnomAD compares: Non-Finnish European, 0.00017%; no homozygotes.

Submission:

Labcorp Genetics (formerly Invitae), Labcorp
Classification: Uncertain significance for Candidiasis, familial, 9. Last evaluated: 2021-02-03. Review status: criteria provided, single submitter. Criteria: Invitae Variant Classification Sherloc (09022015). Collection method: clinical testing. Allele origin: germline.
Comment: In summary, the available evidence is currently insufficient to determine the role of this variant in disease. Therefore, it has been classified as a Variant of Uncertain Significance. This variant has not been reported in the literature in individuals with IL17RC-related conditions. This variant is not present in population databases (ExAC no frequency). This sequence change creates a premature translational stop signal (p.Gln28*) in the IL17RC gene. It is expected to result in an absent or disrupted protein product. However, the current clinical and genetic evidence is not sufficient to establish whether loss-of-function variants in IL17RC cause disease.

NM_153460.4(IL17RC):c.82C>T (p.Gln28Ter)

Gene: IL17RC (interleukin 17 receptor C; plus strand). Cytogenetic location: 3p25.3.
Variant type: single nucleotide variant.
Coding change: c.82C>T on transcript NM_153460.4 (MANE Select); coding-DNA position 82, C replaced by T.
Protein change: p.Gln28Ter; replaces glutamine 28 with a stop codon.
Molecular consequence: nonsense. On other transcripts: non-coding transcript variant (1).
Genome position (GRCh38, 1-based): chr3:9,917,397, C>T. VCF-style: chr3-9917397-C-T. GRCh37 (hg19) VCF-style: chr3-9959081-C-T.
Other names: c.82C>T, p.Gln28Ter (NM_032732.6, NM_153461.4, NM_001203263.2 and 5 more transcripts); short protein forms Q28*.
Identifiers: ClinVar variation 1439850 (VCV001439850.6), dbSNP rs456070, ClinGen allele CA351753133.
Genomic context (GRCh38, chr3:9,917,397, plus strand): 5'-CTGTCCTTGGCACTGGGCCGAAGCCCAGTGGTCCTTTCTCTGGAGAGGCTTGTGGGGCCT[C>T]AGGACGCTACCCACTGCTCTCCGGTGAGTCTGGAACCCTGGGGAGACGAGGAAAGGCTCA-3'